The following is an entry in ClinVar:

ClinVar aggregate classification (germline): Uncertain significance (1 of 4 stars; one submission).

Allele frequency attached by ClinVar (database versions not stated): gnomAD exomes below 0.00001; ExAC 0.00001.
gnomAD v4.1: 2 of 1,614,146 alleles (0.00012%); highest among the groups gnomAD compares: Non-Finnish European, 0.00017%; no homozygotes.

Submission:

Labcorp Genetics (formerly Invitae), Labcorp
Classification: Uncertain significance. Last evaluated: 2021-12-01. Review status: criteria provided, single submitter. Criteria: Invitae Variant Classification Sherloc (09022015). Collection method: clinical testing. Allele origin: germline.
Comment: In summary, the available evidence is currently insufficient to determine the role of this variant in disease. Therefore, it has been classified as a Variant of Uncertain Significance. Algorithms developed to predict the effect of missense changes on protein structure and function are either unavailable or do not agree on the potential impact of this missense change (SIFT: "Not Available"; PolyPhen-2: "Probably Damaging"; Align-GVGD: "Not Available"). This variant has not been reported in the literature in individuals affected with DDRGK1-related conditions. This variant is present in population databases (rs750214860, gnomAD 0.0009%). This sequence change replaces isoleucine, which is neutral and non-polar, with phenylalanine, which is neutral and non-polar, at codon 283 of the DDRGK1 protein (p.Ile283Phe).

NM_023935.3(DDRGK1):c.847A>T (p.Ile283Phe)

Gene: DDRGK1 (DDRGK domain containing 1; minus strand). Cytogenetic location: 20p13.
Variant type: single nucleotide variant.
Coding change: c.847A>T on transcript NM_023935.3 (MANE Select); coding-DNA position 847, A replaced by T.
Protein change: p.Ile283Phe; replaces isoleucine 283 with phenylalanine.
Molecular consequence: missense variant.
Genome position (GRCh38, 1-based): chr20:3,190,751, T>A on the plus strand (A>T on the coding strand, the complement: DDRGK1 is on the minus strand). VCF-style: chr20-3190751-T-A. GRCh37 (hg19) VCF-style: chr20-3171397-T-A.
Other names: short protein forms I283F.
Identifiers: ClinVar variation 2022893 (VCV002022893.4), dbSNP rs750214860, ClinGen allele CA9740738.
Genomic context (GRCh38, chr20:3,190,751, plus strand): 5'-CGATGAGGGAGTTGCTGGCTTGGGCAAGCTCGGCGATGGACACCCGGCCCCGCTGTCGGA[T>A]GAAGTTGGCCACGGCGGCCAGTTCCTCTGGGGTTATGTAGATGAACTTGCCCCGGTCGTC-3'
Protein context (NP_076424.1, residues 273-293): PEELAAVANF[Ile283Phe]RQRGRVSIAE